The following is an entry in ClinVar:

ClinVar aggregate classification (germline): Uncertain significance. Review status: criteria provided, multiple submitters, no conflicts (2 of 4 stars). 2 submissions from 2 submitters: Uncertain significance (2). Last evaluated 2025-09-12.

gnomAD v4.1: 1 of 1,550,392 alleles (0.000064%); highest among the groups gnomAD compares: Non-Finnish European, 0.000087%; no homozygotes.

Submissions (2):

Women's Health and Genetics/Laboratory Corporation of America, LabCorp
Classification: Uncertain significance. Last evaluated: 2025-09-12. Review status: criteria provided, single submitter. Criteria: LabCorp Variant Classification Summary - May 2015. Collection method: clinical testing. Allele origin: germline.
Comment: Variant summary: ZNF469 c.5431G>T (p.Gly1811Cys) results in a non-conservative amino acid change in the encoded protein sequence. Algorithms developed to predict the effect of missense changes on protein structure and function are either unavailable or do not agree on the potential impact of this missense change. The variant was absent in 152664 control chromosomes. The available data on variant occurrences in the general population are insufficient to allow any conclusion about variant significance. To our knowledge, no occurrence of c.5431G>T in individuals affected with ZNF469-related conditions and no experimental evidence demonstrating its impact on protein function have been reported. ClinVar contains an entry for this variant (Variation ID: 3364617). Based on the evidence outlined above, the variant was classified as uncertain significance.

GeneDx
Classification: Uncertain significance. Last evaluated: 2023-11-21. Review status: criteria provided, single submitter. Criteria: GeneDx Variant Classification Process June 2021. Collection method: clinical testing. Allele origin: germline. Affected: yes.
Comment: Not observed at significant frequency in large population cohorts (gnomAD); In silico analysis supports that this missense variant has a deleterious effect on protein structure/function; Has not been previously published as pathogenic or benign to our knowledge

NM_001367624.2(ZNF469):c.5431G>T (p.Gly1811Cys)

Gene: ZNF469 (zinc finger protein 469; plus strand). Cytogenetic location: 16q24.2.
Variant type: single nucleotide variant.
Coding change: c.5431G>T on transcript NM_001367624.2 (MANE Select); coding-DNA position 5431, G replaced by T.
Protein change: p.Gly1811Cys; replaces glycine 1811 with cysteine.
Molecular consequence: missense variant.
Genome position (GRCh38, 1-based): chr16:88,432,901, G>T. VCF-style: chr16-88432901-G-T. GRCh37 (hg19) VCF-style: chr16-88499309-G-T.
Other names: NM_001127464.1:c.5347G>T; short protein forms G1811C.
Identifiers: ClinVar variation 3364617 (VCV003364617.2).